The following is an entry in ClinVar:

NM_020207.7(ERCC6L2):c.1754C>G (p.Ala585Gly)

Gene: ERCC6L2 (ERCC excision repair 6 like 2; plus strand). Cytogenetic location: 9q22.32.
Variant type: single nucleotide variant.
Coding change: c.1754C>G on transcript NM_020207.7 (MANE Select); coding-DNA position 1754, C replaced by G.
Protein change: p.Ala585Gly; replaces alanine 585 with glycine.
Molecular consequence: missense variant. On other transcripts: non-coding transcript variant (1).
Genome position (GRCh38, 1-based): chr9:95,941,456, C>G. VCF-style: chr9-95941456-C-G. GRCh37 (hg19) VCF-style: chr9-98703738-C-G.
Other names: c.1754C>G, p.Ala585Gly (NM_001010895.4, NM_001375291.1, NM_001375292.1 and 2 more transcripts); short protein forms A585G.
Identifiers: ClinVar variation 3845948 (VCV003845948.1).

ClinVar aggregate classification (germline): Uncertain significance (1 of 4 stars; one submission).

Conditions:
Inborn genetic diseases. Identifiers: MedGen C0950123, MeSH D030342.

Submission:

Ambry Genetics
Classification: Uncertain significance for Inborn genetic diseases. Last evaluated: 2025-02-18. Review status: criteria provided, single submitter. Criteria: Ambry Variant Classification Scheme 2023. Collection method: clinical testing. Allele origin: germline.
Comment: The p.A585G variant (also known as c.1754C>G), located in coding exon 12 of the ERCC6L2 gene, results from a C to G substitution at nucleotide position 1754. The alanine at codon 585 is replaced by glycine, an amino acid with similar properties. This amino acid position is conserved. In addition, this alteration is predicted to be deleterious by in silico analysis. Based on the available evidence, the clinical significance of this variant remains unclear.